The following is an entry in ClinVar:

NM_000052.7(ATP7A):c.3461A>G (p.Asn1154Ser)

Gene: ATP7A (ATPase copper transporting alpha; plus strand). Cytogenetic location: Xq21.1.
Variant type: single nucleotide variant.
Coding change: c.3461A>G on transcript NM_000052.7 (MANE Select); coding-DNA position 3461, A replaced by G.
Protein change: p.Asn1154Ser; replaces asparagine 1154 with serine.
Molecular consequence: missense variant. On other transcripts: non-coding transcript variant (1).
Genome position (GRCh38, 1-based): chrX:78,033,771, A>G. VCF-style: chrX-78033771-A-G. GRCh37 (hg19) VCF-style: chrX-77289269-A-G.
Other names: c.3227A>G, p.Asn1076Ser (NM_001282224.2); short protein forms N1154S, N1076S.
Identifiers: ClinVar variation 664180 (VCV000664180.8), dbSNP rs1288867080, ClinGen allele CA413604216.

ClinVar aggregate classification (germline): Uncertain significance. Review status: criteria provided, single submitter (1 of 4 stars). 2 submissions from 2 submitters: Uncertain significance (1). 1 of the submissions does not count toward it. Last evaluated 2025-04-29.

Conditions:
Cutis laxa, X-linked (OHS). Also called: EDS IX; Occipital horn syndrome. Identifiers: Orphanet 198, MedGen C0268353, MONDO:0010572, OMIM 304150.
X-linked distal spinal muscular atrophy type 3. Also called: ATP7A-Related Distal Motor Neuropathy; NEURONOPATHY, DISTAL HEREDITARY MOTOR, X-LINKED; NEUROPATHY, DISTAL HEREDITARY MOTOR, X-LINKED; SPINAL MUSCULAR ATROPHY, DISTAL, X-LINKED RECESSIVE. Identifiers: Orphanet 139557, MedGen C1845359, MONDO:0010338, OMIM 300489.
Menkes kinky-hair syndrome (MNK). Also called: Classic Menkes Disease; Menkes Disease; Copper transport disease. Identifiers: Orphanet 565, MedGen C0022716, MONDO:0010651, OMIM 309400.

Allele frequency attached by ClinVar (database versions not stated): TOPMed 0.00001.

Submissions (2):

Labcorp Genetics (formerly Invitae), Labcorp
Classification: Uncertain significance for X-linked distal spinal muscular atrophy type 3; Cutis laxa, X-linked; Menkes kinky-hair syndrome. Last evaluated: 2025-04-29. Review status: criteria provided, single submitter. Criteria: Invitae Variant Classification Sherloc (09022015). Collection method: clinical testing. Allele origin: germline.
Comment: This sequence change replaces asparagine, which is neutral and polar, with serine, which is neutral and polar, at codon 1154 of the ATP7A protein (p.Asn1154Ser). This variant is not present in population databases (gnomAD no frequency). This variant has not been reported in the literature in individuals affected with ATP7A-related conditions. ClinVar contains an entry for this variant (Variation ID: 664180). Invitae Evidence Modeling of protein sequence and biophysical properties (such as structural, functional, and spatial information, amino acid conservation, physicochemical variation, residue mobility, and thermodynamic stability) indicates that this missense variant is not expected to disrupt ATP7A protein function with a negative predictive value of 95%. In summary, the available evidence is currently insufficient to determine the role of this variant in disease. Therefore, it has been classified as a Variant of Uncertain Significance.

Natera, Inc.
Classification: Uncertain significance for Menkes kinky hair syndrome. Last evaluated: 2021-01-07. Review status: no assertion criteria provided. Collection method: clinical testing. Allele origin: germline. Not counted in ClinVar's aggregate classification.